The following is an entry in ClinVar:

ClinVar aggregate classification (germline): Uncertain significance (1 of 4 stars; one submission).

gnomAD v4.1: 22 of 1,613,920 alleles (0.0014%); highest among the groups gnomAD compares: East Asian, 0.0022%; no homozygotes.

Submission:

Labcorp Genetics (formerly Invitae), Labcorp
Classification: Uncertain significance. Last evaluated: 2025-10-22. Review status: criteria provided, single submitter. Criteria: Invitae Variant Classification Sherloc (09022015). Collection method: clinical testing. Allele origin: germline.
Comment: This sequence change replaces arginine, which is basic and polar, with glutamine, which is neutral and polar, at codon 466 of the FBLN1 protein (p.Arg466Gln). This variant is present in population databases (rs770569480, gnomAD 0.006%). This variant has not been reported in the literature in individuals affected with FBLN1-related conditions. An algorithm developed to predict the effect of missense changes on protein structure and function (PolyPhen-2) suggests that this variant is likely to be tolerated. In summary, the available evidence is currently insufficient to determine the role of this variant in disease. Therefore, it has been classified as a Variant of Uncertain Significance.

NM_006486.3(FBLN1):c.1397G>A (p.Arg466Gln)

Gene: FBLN1 (fibulin 1; plus strand). Cytogenetic location: 22q13.31.
Variant type: single nucleotide variant.
Coding change: c.1397G>A on transcript NM_006486.3 (MANE Select); coding-DNA position 1397, G replaced by A.
Protein change: p.Arg466Gln; replaces arginine 466 with glutamine.
Molecular consequence: missense variant.
Genome position (GRCh38, 1-based): chr22:45,547,160, G>A. VCF-style: chr22-45547160-G-A. GRCh37 (hg19) VCF-style: chr22-45943040-G-A.
Other names: c.1397G>A, p.Arg466Gln (NM_001996.4, NM_006485.4, NM_006487.3); short protein forms R466Q.
Identifiers: ClinVar variation 4751433 (VCV004751433.1).